The following is an entry in ClinVar:

NM_024656.4(COLGALT1):c.1856G>A (p.Arg619Gln)

Gene: COLGALT1 (collagen beta(1-O)galactosyltransferase 1; plus strand). Cytogenetic location: 19p13.11.
Variant type: single nucleotide variant.
Coding change: c.1856G>A on transcript NM_024656.4 (MANE Select); coding-DNA position 1856, G replaced by A.
Protein change: p.Arg619Gln; replaces arginine 619 with glutamine.
Molecular consequence: missense variant.
Genome position (GRCh38, 1-based): chr19:17,581,431, G>A. VCF-style: chr19-17581431-G-A. GRCh37 (hg19) VCF-style: chr19-17692240-G-A.
Other names: short protein forms R619Q.
Identifiers: ClinVar variation 2380026 (VCV002380026.5), dbSNP rs139708290, ClinGen allele CA9297453.
Genomic context (GRCh38, chr19:17,581,431, plus strand): 5'-CACTGAGCCGTGAGGCCAAGAACTCGGACGTGCTCCAGTCCCCACTGGACAGTGCTGCCC[G>A]GGATGAACTCTGAGGGGTAGCAGCCAGAAAGCCAAAGCAGCCATCGGTGGCCCAGGCTCC-3'
Protein context (NP_078932.2, residues 609-622): VLQSPLDSAA[Arg619Gln]DEL

ClinVar aggregate classification (germline): Uncertain significance. Review status: criteria provided, multiple submitters, no conflicts (2 of 4 stars). 2 submissions from 2 submitters: Uncertain significance (2). Last evaluated 2026-01-12.

Conditions:
Inborn genetic diseases. Identifiers: MedGen C0950123, MeSH D030342.

Allele frequency attached by ClinVar (database versions not stated): TOPMed 0.00005; ExAC 0.00008; gnomAD 0.00003; gnomAD exomes 0.00007; ESP Exome Variant Server 0.00008.
gnomAD v4.1: 107 of 1,607,954 alleles (0.0067%); highest among the groups gnomAD compares: Admixed American, 0.0084%; no homozygotes.

Submissions (2):

Labcorp Genetics (formerly Invitae), Labcorp
Classification: Uncertain significance. Last evaluated: 2026-01-12. Review status: criteria provided, single submitter. Criteria: Invitae Variant Classification Sherloc (09022015). Collection method: clinical testing. Allele origin: germline.
Comment: This sequence change replaces arginine, which is basic and polar, with glutamine, which is neutral and polar, at codon 619 of the COLGALT1 protein (p.Arg619Gln). This variant is present in population databases (rs139708290, gnomAD 0.009%). This variant has not been reported in the literature in individuals affected with COLGALT1-related conditions. ClinVar contains an entry for this variant (Variation ID: 2380026). An algorithm developed to predict the effect of missense changes on protein structure and function (PolyPhen-2) suggests that this variant is likely to be disruptive. In summary, the available evidence is currently insufficient to determine the role of this variant in disease. Therefore, it has been classified as a Variant of Uncertain Significance.

Ambry Genetics
Classification: Uncertain significance for Inborn genetic diseases. Last evaluated: 2022-06-30. Review status: criteria provided, single submitter. Criteria: Ambry Variant Classification Scheme 2023. Collection method: clinical testing. Allele origin: germline.